The following is an entry in ClinVar:

NM_001540.5(HSPB1):c.162C>T (p.Tyr54=)

Gene: HSPB1 (heat shock protein family B (small) member 1; plus strand). Cytogenetic location: 7q11.23.
Variant type: single nucleotide variant.
Coding change: c.162C>T on transcript NM_001540.5 (MANE Select); coding-DNA position 162, C replaced by T.
Protein change: p.Tyr54=; no amino-acid change (tyrosine 54 retained).
Molecular consequence: synonymous variant.
Genome position (GRCh38, 1-based): chr7:76,302,874, C>T. VCF-style: chr7-76302874-C-T. GRCh37 (hg19) VCF-style: chr7-75932191-C-T.
Other names: c.162C>T (NM_001540.3).
Identifiers: ClinVar variation 1631000 (VCV001631000.9), dbSNP rs770285235, ClinGen allele CA4306275.

ClinVar aggregate classification (germline): Likely benign. Review status: criteria provided, multiple submitters, no conflicts (2 of 4 stars). 2 submissions from 2 submitters: Likely benign (2). Last evaluated 2025-05-29.

Conditions:
HSPB1-related disorder. Also called: HSPB1-related disorders; HSPB1-related condition.
Charcot-Marie-Tooth disease axonal type 2F (CMT2F). Also called: CHARCOT-MARIE-TOOTH DISEASE, NEURONAL, TYPE 2F; Charcot-Marie-Tooth Neuropathy Type 2F. Identifiers: Orphanet 99940, MedGen C1847823, MONDO:0011687, OMIM 606595.

Allele frequency attached by ClinVar (database versions not stated): gnomAD exomes 0.00002.
gnomAD v4.1: 29 of 1,574,492 alleles (0.0018%); highest among the groups gnomAD compares: Non-Finnish European, 0.0023%; 1 homozygote.

Submissions (2):

PreventionGenetics, part of Exact Sciences
Classification: Likely benign for HSPB1-related condition. Last evaluated: 2025-05-29. Review status: criteria provided, single submitter. Criteria: ACMG Guidelines, 2015. Collection method: clinical testing. Allele origin: germline.
Comment: This variant is classified as likely benign based on ACMG/AMP sequence variant interpretation guidelines (Richards et al. 2015 PMID: 25741868, with internal and published modifications).

Labcorp Genetics (formerly Invitae), Labcorp
Classification: Likely benign for Charcot-Marie-Tooth disease axonal type 2F. Last evaluated: 2021-12-13. Review status: criteria provided, single submitter. Criteria: Invitae Variant Classification Sherloc (09022015). Collection method: clinical testing. Allele origin: germline.